The following is an entry in ClinVar:

ClinVar aggregate classification (germline): Likely benign (1 of 4 stars; one submission).

Conditions:
MPIG6B-related disorder. Also called: MPIG6B-related condition.

Submission:

PreventionGenetics, part of Exact Sciences
Classification: Likely benign for MPIG6B-related condition. Last evaluated: 2025-08-19. Review status: criteria provided, single submitter. Criteria: ACMG Guidelines, 2015. Collection method: clinical testing. Allele origin: germline.
Comment: This variant is classified as likely benign based on ACMG/AMP sequence variant interpretation guidelines (Richards et al. 2015 PMID: 25741868, with internal and published modifications).

NM_138272.3(MPIG6B):c.501-4A>G

Gene: MPIG6B (megakaryocyte and platelet inhibitory receptor G6b; plus strand). Cytogenetic location: 6p21.33.
Variant type: single nucleotide variant.
Coding change: c.501-4A>G on transcript NM_138272.3 (MANE Select); 4 bases into the intron before coding-DNA position 501, A replaced by G.
Molecular consequence: intron variant.
Genome position (GRCh38, 1-based): chr6:31,724,583, A>G. VCF-style: chr6-31724583-A-G. GRCh37 (hg19) VCF-style: chr6-31692360-A-G.
Other names: c.501-4A>G (NM_138277.3, NM_025260.4); c.410-4A>G (NM_138273.3); c.410-163A>G (NM_138274.3); c.410-182A>G (NM_138275.3).
Identifiers: ClinVar variation 4995831 (VCV004995831.1).